The following is an entry in ClinVar:

ClinVar aggregate classification (germline): Uncertain significance (1 of 4 stars; one submission).

Conditions:
Long QT syndrome (LQTS). Identifiers: MedGen C0023976, MeSH D008133, MONDO:0002442. Disease mechanism: loss of function. Inheritance: Various modes of inheritance.

Submission:

Labcorp Genetics (formerly Invitae), Labcorp
Classification: Uncertain significance for Long QT syndrome. Last evaluated: 2018-02-13. Review status: criteria provided, single submitter. Criteria: Invitae Variant Classification Sherloc (09022015). Collection method: clinical testing. Allele origin: germline.
Comment: This variant is not present in population databases (ExAC no frequency). This variant has not been reported in the literature in individuals with CACNA1C-related disease. Algorithms developed to predict the effect of missense changes on protein structure and function do not agree on the potential impact of this missense change (SIFT: "Deleterious"; PolyPhen-2: "Probably Damaging"; Align-GVGD: "Class C15"). In summary, the available evidence is currently insufficient to determine the role of this variant in disease. Therefore, it has been classified as a Variant of Uncertain Significance. This sequence change replaces aspartic acid with tyrosine at codon 1389 of the CACNA1C protein (p.Asp1389Tyr). The aspartic acid residue is highly conserved and there is a large physicochemical difference between aspartic acid and tyrosine.

NM_000719.7(CACNA1C):c.4165G>T (p.Asp1389Tyr)

Gene: CACNA1C (calcium voltage-gated channel subunit alpha1 C; plus strand). Cytogenetic location: 12p13.33.
Variant type: single nucleotide variant.
Coding change: c.4165G>T on transcript NM_000719.7 (MANE Select); coding-DNA position 4165, G replaced by T.
Protein change: p.Asp1389Tyr; replaces aspartic acid 1389 with tyrosine.
Molecular consequence: missense variant.
Genome position (GRCh38, 1-based): chr12:2,655,171, G>T. VCF-style: chr12-2655171-G-T. GRCh37 (hg19) VCF-style: chr12-2764337-G-T.
Other names: c.4309G>T, p.Asp1437Tyr (NM_001129827.2, NM_199460.4); c.4231G>T, p.Asp1411Tyr (NM_001129829.2); c.4165G>T, p.Asp1389Tyr (NM_001129830.3, NM_001129833.2, NM_001129834.2 and 7 more transcripts); c.4249G>T, p.Asp1417Tyr (NM_001129831.2); c.4225G>T, p.Asp1409Tyr (NM_001129832.2); c.4216G>T, p.Asp1406Tyr (NM_001129836.2); c.4132G>T, p.Asp1378Tyr (NM_001129837.2, NM_001129838.2, NM_001129846.2 and 1 more transcripts); c.4126G>T, p.Asp1376Tyr (NM_001129839.2); and 1 more; short protein forms D1389Y, D1437Y, D1376Y, D1409Y, D1411Y, D1386Y, D1406Y, D1378Y.
Identifiers: ClinVar variation 582312 (VCV000582312.9), dbSNP rs768062636, ClinGen allele CA383374443.